The following is an entry in ClinVar:

NM_003664.5(AP3B1):c.1364-2A>G

Gene: AP3B1 (adaptor related protein complex 3 subunit beta 1; minus strand). Cytogenetic location: 5q14.1.
Variant type: single nucleotide variant.
Coding change: c.1364-2A>G on transcript NM_003664.5 (MANE Select); the canonical splice acceptor site of the intron before coding-DNA position 1364, A replaced by G.
Molecular consequence: splice acceptor variant.
Genome position (GRCh38, 1-based): chr5:78,156,369, T>C on the plus strand (A>G on the coding strand, the complement: AP3B1 is on the minus strand). VCF-style: chr5-78156369-T-C. GRCh37 (hg19) VCF-style: chr5-77452193-T-C.
Other names: c.1217-2A>G (NM_001271769.2); c.1364-2A>G (NM_001410752.1).
Identifiers: ClinVar variation 1493142 (VCV001493142.8), dbSNP rs2112357253, ClinGen allele CA360189445.

ClinVar aggregate classification (germline): Likely pathogenic (1 of 4 stars; one submission).

Conditions:
Hermansky-Pudlak syndrome 2 (HPS2). Also called: Platelet defects and oculocutaneous albinism. Identifiers: Orphanet 183678, Orphanet 79430, MedGen C1842362, MONDO:0011997, OMIM 608233.

Submission:

Labcorp Genetics (formerly Invitae), Labcorp
Classification: Likely pathogenic for Hermansky-Pudlak syndrome 2. Last evaluated: 2021-05-27. Review status: criteria provided, single submitter. Criteria: Invitae Variant Classification Sherloc (09022015). Collection method: clinical testing. Allele origin: germline.
Comment: This sequence change affects an acceptor splice site in intron 13 of the AP3B1 gene. It is expected to disrupt RNA splicing. Variants that disrupt the donor or acceptor splice site typically lead to a loss of protein function (PMID: 16199547), and loss-of-function variants in AP3B1 are known to be pathogenic (PMID: 16507770, 23403622). This variant is not present in population databases (ExAC no frequency). This variant has not been reported in the literature in individuals with AP3B1-related conditions. Algorithms developed to predict the effect of sequence changes on RNA splicing suggest that this variant may disrupt the consensus splice site, but this prediction has not been confirmed by published transcriptional studies. In summary, the currently available evidence indicates that the variant is pathogenic, but additional data are needed to prove that conclusively. Therefore, this variant has been classified as Likely Pathogenic.

Literature cited by the submitters: PubMed 16199547; PubMed 16507770; PubMed 23403622.